The following is an entry in ClinVar:

ClinVar aggregate classification (germline): Uncertain significance (1 of 4 stars; one submission).

Submission:

Women's Health and Genetics/Laboratory Corporation of America, LabCorp
Classification: Uncertain significance. Last evaluated: 2022-05-24. Review status: criteria provided, single submitter. Criteria: LabCorp Variant Classification Summary - May 2015. Collection method: clinical testing. Allele origin: germline.
Comment: Variant summary: WDFY3 c.6576G>A (p.Gly2192Gly) alters a non-conserved nucleotide located close to a canonical splice site and therefore could affect mRNA splicing, leading to a significantly altered protein sequence. 4/4 computational tools predict no significant impact on normal splicing, however, these predictions have yet to be confirmed by functional studies. The variant was absent in 208918 control chromosomes (gnomAD). The available data on variant occurrences in the general population are insufficient to allow any conclusion about variant significance. To our knowledge, no occurrence of c.6576G>A in individuals affected with Microcephaly 18, Primary, Autosomal Dominant and no experimental evidence demonstrating its impact on protein function have been reported. No clinical diagnostic laboratories have submitted clinical-significance assessments for this variant to ClinVar after 2014. Based on the evidence outlined above, the variant was classified as uncertain significance.

NM_014991.6(WDFY3):c.6576G>A (p.Gly2192=)

Gene: WDFY3 (WD repeat and FYVE domain containing 3; minus strand). Cytogenetic location: 4q21.23.
Variant type: single nucleotide variant.
Coding change: c.6576G>A on transcript NM_014991.6 (MANE Select); coding-DNA position 6576, G replaced by A.
Protein change: p.Gly2192=; no amino-acid change (glycine 2192 retained).
Molecular consequence: synonymous variant.
Genome position (GRCh38, 1-based): chr4:84,737,365, C>T on the plus strand (G>A on the coding strand, the complement: WDFY3 is on the minus strand). VCF-style: chr4-84737365-C-T. GRCh37 (hg19) VCF-style: chr4-85658518-C-T.
Identifiers: ClinVar variation 1696326 (VCV001696326.1), dbSNP rs2149201651, ClinGen allele CA440122081.